The following is an entry in ClinVar:

NM_000038.6(APC):c.2188A>C (p.Met730Leu)

Gene: APC (APC regulator of Wnt signaling pathway; plus strand). Cytogenetic location: 5q22.2.
Variant type: single nucleotide variant.
Coding change: c.2188A>C on transcript NM_000038.6 (MANE Select); coding-DNA position 2188, A replaced by C.
Protein change: p.Met730Leu; replaces methionine 730 with leucine.
Molecular consequence: missense variant.
Genome position (GRCh38, 1-based): chr5:112,837,782, A>C. VCF-style: chr5-112837782-A-C. GRCh37 (hg19) VCF-style: chr5-112173479-A-C.
Other names: c.2188A>C, p.Met730Leu (NM_001127510.3, NM_001354895.2, NM_001407450.1); c.2134A>C, p.Met712Leu (NM_001127511.3); c.2242A>C, p.Met748Leu (NM_001354896.2, NM_001407447.1, NM_001407448.1 and 1 more transcripts); c.2218A>C, p.Met740Leu (NM_001354897.2); c.2113A>C, p.Met705Leu (NM_001354898.2); c.2104A>C, p.Met702Leu (NM_001354899.2); c.2065A>C, p.Met689Leu (NM_001354900.2); c.2011A>C, p.Met671Leu (NM_001354901.2, NM_001407453.1); and 11 more; short protein forms M346L, M604L, M671L, M705L, M723L, M570L, M689L, M720L.
Identifiers: ClinVar variation 1787362 (VCV001787362.3), dbSNP rs1580619095, ClinGen allele CA16026123.

ClinVar aggregate classification (germline): Uncertain significance (1 of 4 stars; one submission).

Conditions:
Hereditary cancer-predisposing syndrome. Also called: Neoplastic Syndromes, Hereditary; Tumor predisposition; Hereditary Cancer Syndrome; Hereditary neoplastic syndrome. Identifiers: Orphanet 140162, MedGen C0027672, MeSH D009386, MONDO:0015356.

Submission:

Ambry Genetics
Classification: Uncertain significance for Hereditary cancer-predisposing syndrome. Last evaluated: 2025-11-13. Review status: criteria provided, single submitter. Criteria: Ambry Variant Classification Scheme 2023. Collection method: clinical testing. Allele origin: germline.
Comment: The p.M730L variant (also known as c.2188A>C), located in coding exon 15 of the APC gene, results from an A to C substitution at nucleotide position 2188. The methionine at codon 730 is replaced by leucine, an amino acid with highly similar properties. This amino acid position is highly conserved in available vertebrate species. In addition, in silico predictors for this gene do not accurately predict pathogenicity. Missense variants in APC are not a common cause of disease (Spier I et al. Genet Med. 2024 Feb;26(2):100992). Based on the available evidence, the clinical significance of this variant remains unclear.